The following is an entry in ClinVar:

NM_000492.4(CFTR):c.4250A>G (p.Glu1417Gly)

Genes: CFTR (CF transmembrane conductance regulator; plus strand), LOC111674477 (CFTR intron 23 enhancer; plus strand). Cytogenetic location: 7q31.2.
Variant type: single nucleotide variant.
Coding change: c.4250A>G on transcript NM_000492.4 (MANE Select); coding-DNA position 4250, A replaced by G.
Protein change: p.Glu1417Gly; replaces glutamic acid 1417 with glycine.
Molecular consequence: missense variant.
Genome position (GRCh38, 1-based): chr7:117,666,915, A>G. VCF-style: chr7-117666915-A-G. GRCh37 (hg19) VCF-style: chr7-117306969-A-G.
Other names: short protein forms E1417G.
Identifiers: ClinVar variation 4847980 (VCV004847980.1).

ClinVar aggregate classification (germline): Uncertain significance (1 of 4 stars; one submission).

Submission:

Women's Health and Genetics/Laboratory Corporation of America, LabCorp
Classification: Uncertain significance. Last evaluated: 2026-02-09. Review status: criteria provided, single submitter. Criteria: LabCorp Variant Classification Summary - May 2015. Collection method: clinical testing. Allele origin: germline.
Comment: Variant summary: CFTR c.4250A>G (p.Glu1417Gly) results in a non-conservative amino acid change in the encoded protein sequence. Algorithms developed to predict the effect of missense changes on protein structure and function all suggest that this variant is likely to be disruptive. The variant was absent in 250108 control chromosomes. The available data on variant occurrences in the general population are insufficient to allow any conclusion about variant significance. To our knowledge, no occurrence of c.4250A>G in individuals affected with CFTR-related conditions and no experimental evidence demonstrating its impact on protein function have been reported. No submitters have cited clinical-significance assessments for this variant to ClinVar. Based on the evidence outlined above, the variant was classified as uncertain significance.